The following is an entry in ClinVar:

ClinVar aggregate classification (germline): Conflicting classifications of pathogenicity. Review status: criteria provided, conflicting classifications (1 of 4 stars). 8 submissions from 8 submitters: Uncertain significance (6); Benign (1); Likely benign (1). Last evaluated 2026-10-01.

Conditions:
Hereditary cancer-predisposing syndrome. Also called: Hereditary neoplastic syndrome; Hereditary Cancer Syndrome; Neoplastic Syndromes, Hereditary; Tumor predisposition. Identifiers: Orphanet 140162, MedGen C0027672, MeSH D009386, MONDO:0015356.
POLD1-related polyposis and colorectal cancer syndrome (CRCS10). Also called: COLORECTAL CANCER, SUSCEPTIBILITY TO, ON CHROMOSOME 19q; Colorectal cancer 10; Colorectal cancer, susceptibility to, 10. Identifiers: Orphanet 220460, MedGen C2675481, MONDO:0012953, OMIM 612591.
Mandibular hypoplasia-deafness-progeroid syndrome. Also called: Mandibular hypoplasia, deafness, progeroid features, and lipodystrophy syndrome. Identifiers: Orphanet 363649, MedGen C3715192, MONDO:0014157, OMIM 615381.

Allele frequency attached by ClinVar (database versions not stated): gnomAD exomes 0.00001 and 0.00006; TOPMed 0.00004; ExAC 0.00007; gnomAD 0.00007; 1000 Genomes Project 30x 0.00031; 1000 Genomes Project 0.00040.

Submissions (8):

St. Jude Molecular Pathology, St. Jude Children's Research Hospital
Classification: Uncertain significance for POLD1-related polyposis and colorectal cancer syndrome. Last evaluated: 2026-10-01. Review status: criteria provided, single submitter. Criteria: St. Jude Assertion Criteria 2020. Collection method: clinical testing. Allele origin: germline.
Comment: The POLD1 c.713C>T p.(Thr238Met) missense cha nge has a maximum subpopulation frequency of 0.09% in gnomAD v2.1.1. The in silico tool REVEL predicts a benign effect on protein function, but to our knowledge this prediction has not been confirmed by functional stu dies. To our knowledge, this variant has not been reported in individuals with POLD1-related disease. In summary, the evidence currently available is insufficient to determine the clinical significance of this variant. It has therefore been classified as of uncertain significance.

Labcorp Genetics (formerly Invitae), Labcorp
Classification: Uncertain significance for POLD1-related polyposis and colorectal cancer syndrome. Last evaluated: 2026-01-27. Review status: criteria provided, single submitter. Criteria: Invitae Variant Classification Sherloc (09022015). Collection method: clinical testing. Allele origin: germline.
Comment: This sequence change replaces threonine, which is neutral and polar, with methionine, which is neutral and non-polar, at codon 238 of the POLD1 protein (p.Thr238Met). This variant is present in population databases (rs553342844, gnomAD 0.07%), and has an allele count higher than expected for a pathogenic variant. This variant has not been reported in the literature in individuals affected with POLD1-related conditions. ClinVar contains an entry for this variant (Variation ID: 246444). Invitae Evidence Modeling of protein sequence and biophysical properties (such as structural, functional, and spatial information, amino acid conservation, physicochemical variation, residue mobility, and thermodynamic stability) indicates that this missense variant is not expected to disrupt POLD1 protein function with a negative predictive value of 80%. In summary, the available evidence is currently insufficient to determine the role of this variant in disease. Therefore, it has been classified as a Variant of Uncertain Significance.

Ambry Genetics
Classification: Benign for Hereditary cancer-predisposing syndrome. Last evaluated: 2024-10-28. Review status: criteria provided, single submitter. Criteria: Ambry Variant Classification Scheme 2023. Collection method: clinical testing. Allele origin: germline.

GeneDx
Classification: Uncertain significance. Last evaluated: 2024-10-09. Review status: criteria provided, single submitter. Criteria: GeneDx Variant Classification Process June 2021. Collection method: clinical testing. Allele origin: germline. Affected: yes.
Comment: In silico analysis indicates that this missense variant does not alter protein structure/function; Has not been previously published as pathogenic or benign to our knowledge; This variant is associated with the following publications: (PMID: 25122428, 9545286, 29056344)

Department of Pathology and Laboratory Medicine, Sinai Health System
Classification: Likely benign for POLD1-related polyposis and colorectal cancer syndrome. Last evaluated: 2024-02-05. Review status: criteria provided, single submitter. Criteria: ACMG Guidelines, 2015. Collection method: clinical testing. Allele origin: germline. Affected: yes.

Genetic Services Laboratory, University of Chicago
Classification: Uncertain significance. Last evaluated: 2023-01-27. Review status: criteria provided, single submitter. Criteria: ACMG Guidelines, 2015. Collection method: clinical testing. Allele origin: germline. Affected: no.
Comment: DNA sequence analysis of the POLD1 gene demonstrated a sequence change, c.713C>T, in exon 6 that results in an amino acid change, p.Thr238Met. This sequence change does not appear to have been previously described in individuals with POLD1-related disorders. This sequence change has been described in the gnomAD database with a frequency of 0.007% in the overall population (dbSNP rs553342844). The p.Thr238Met change affects a moderately conserved amino acid residue located in a domain of the POLD1 protein that is known to be functional. The p.Thr238Met substitution appears to be benign using several in-silico pathogenicity prediction tools (SIFT, PolyPhen2, Align GVGD, REVEL). Due to insufficient evidences and the lack of functional studies, the clinical significance of the p.Thr238Met change remains unknown at this time.

Institute for Clinical Genetics, University Hospital TU Dresden, University Hospital TU Dresden
Classification: Uncertain significance. Last evaluated: 2021-11-03. Review status: criteria provided, single submitter. Criteria: ACMG Guidelines, 2015. Collection method: clinical testing. Allele origin: germline.

Fulgent Genetics
Classification: Uncertain significance for POLD1-related polyposis and colorectal cancer syndrome; Mandibular hypoplasia-deafness-progeroid syndrome. Last evaluated: 2018-10-31. Review status: criteria provided, single submitter. Criteria: ACMG Guidelines, 2015. Collection method: clinical testing. Allele origin: unknown.

NM_002691.4(POLD1):c.713C>T (p.Thr238Met)

Gene: POLD1 (DNA polymerase delta 1, catalytic subunit; plus strand). Cytogenetic location: 19q13.33.
Variant type: single nucleotide variant.
Coding change: c.713C>T on transcript NM_002691.4 (MANE Select); coding-DNA position 713, C replaced by T.
Protein change: p.Thr238Met; replaces threonine 238 with methionine.
Molecular consequence: missense variant. On other transcripts: non-coding transcript variant (1).
Genome position (GRCh38, 1-based): chr19:50,402,328, C>T. VCF-style: chr19-50402328-C-T. GRCh37 (hg19) VCF-style: chr19-50905585-C-T.
Other names: c.713C>T, p.Thr238Met (NM_001256849.1, NM_001308632.1); c.713C>T (NM_002691.2); short protein forms T238M.
Identifiers: ClinVar variation 246444 (VCV000246444.23), dbSNP rs553342844, ClinGen allele CA9595867.